The following is an entry in ClinVar:

ClinVar aggregate classification (germline): Likely benign (1 of 4 stars; one submission).

Allele frequency attached by ClinVar (database versions not stated): 1000 Genomes Project 0.00060; 1000 Genomes Project 30x 0.00062; ESP Exome Variant Server 0.00085.
gnomAD v4.1: 2,269 of 1,593,386 alleles (0.14%); highest among the groups gnomAD compares: Non-Finnish European, 0.18%; 3 homozygotes.

Submission:

CeGaT Center for Human Genetics Tuebingen
Classification: Likely benign. Last evaluated: 2023-07-01. Review status: criteria provided, single submitter. Criteria: CeGaT Center For Human Genetics Tuebingen Variant Classification Criteria Version 2. Collection method: clinical testing. Allele origin: germline. Affected: yes. Observed: 1 variant allele.
Comment: SOHLH1: BP4

NM_001101677.2(SOHLH1):c.668C>G (p.Ser223Cys)

Gene: SOHLH1 (spermatogenesis and oogenesis specific basic helix-loop-helix 1; minus strand). Cytogenetic location: 9q34.3.
Variant type: single nucleotide variant.
Coding change: c.668C>G on transcript NM_001101677.2 (MANE Select); coding-DNA position 668, C replaced by G.
Protein change: p.Ser223Cys; replaces serine 223 with cysteine.
Molecular consequence: missense variant.
Genome position (GRCh38, 1-based): chr9:135,695,257, G>C on the plus strand (C>G on the coding strand, the complement: SOHLH1 is on the minus strand). VCF-style: chr9-135695257-G-C. GRCh37 (hg19) VCF-style: chr9-138587103-G-C.
Other names: c.668C>G, p.Ser223Cys (NM_001012415.3); short protein forms S223C.
Identifiers: ClinVar variation 2579078 (VCV002579078.25), dbSNP rs150490094, ClinGen allele CA5325813.